The following is an entry in ClinVar:

NM_001287.6(CLCN7):c.490G>A (p.Asp164Asn)

Gene: CLCN7 (chloride voltage-gated channel 7; minus strand). Cytogenetic location: 16p13.3.
Variant type: single nucleotide variant.
Coding change: c.490G>A on transcript NM_001287.6 (MANE Select); coding-DNA position 490, G replaced by A.
Protein change: p.Asp164Asn; replaces aspartic acid 164 with asparagine.
Molecular consequence: missense variant.
Genome position (GRCh38, 1-based): chr16:1,460,522, C>T on the plus strand (G>A on the coding strand, the complement: CLCN7 is on the minus strand). VCF-style: chr16-1460522-C-T. GRCh37 (hg19) VCF-style: chr16-1510523-C-T.
Other names: c.418G>A, p.Asp140Asn (NM_001114331.3); short protein forms D164N, D140N.
Identifiers: ClinVar variation 2818514 (VCV002818514.3), dbSNP rs2038917505, ClinGen allele CA394192256.
Genomic context (GRCh38, chr16:1,460,522, plus strand): 5'-CGTTCAGCGTGGCCCACAGCAACAGGGAGAAGGACAGTCCGCCCTTCTCTGTGAACTTGT[C>T]GATATCTGGGGCTCATCAAGGAGGGCTGGCTGCTTCCCCGTCATGACCACCCAGCCCAGA-3'
Protein context (NP_001278.1, residues 154-174): LKYRVIKGNI[Asp164Asn]KFTEKGGLSF

ClinVar aggregate classification (germline): Uncertain significance (1 of 4 stars; one submission).

Allele frequency attached by ClinVar (database versions not stated): gnomAD exomes below 0.00001; TOPMed below 0.00001.
gnomAD v4.1: 2 of 1,612,278 alleles (0.00012%); no homozygotes.

Submission:

Labcorp Genetics (formerly Invitae), Labcorp
Classification: Uncertain significance. Last evaluated: 2024-10-24. Review status: criteria provided, single submitter. Criteria: Invitae Variant Classification Sherloc (09022015). Collection method: clinical testing. Allele origin: germline.
Comment: This sequence change replaces aspartic acid, which is acidic and polar, with asparagine, which is neutral and polar, at codon 164 of the CLCN7 protein (p.Asp164Asn). This variant is not present in population databases (gnomAD no frequency). This variant has not been reported in the literature in individuals affected with CLCN7-related conditions. Invitae Evidence Modeling of protein sequence and biophysical properties (such as structural, functional, and spatial information, amino acid conservation, physicochemical variation, residue mobility, and thermodynamic stability) indicates that this missense variant is not expected to disrupt CLCN7 protein function with a negative predictive value of 95%. In summary, the available evidence is currently insufficient to determine the role of this variant in disease. Therefore, it has been classified as a Variant of Uncertain Significance.